The following is an entry in ClinVar:

ClinVar aggregate classification (germline): Uncertain significance (1 of 4 stars; one submission).

Conditions:
Cardiovascular phenotype. Identifiers: MedGen CN230736.

Allele frequency attached by ClinVar (database versions not stated): gnomAD exomes below 0.00001.
gnomAD v4.1: 2 of 1,614,098 alleles (0.00012%); highest among the groups gnomAD compares: Non-Finnish European, 0.000085%; no homozygotes.

Submission:

Ambry Genetics
Classification: Uncertain significance for Cardiovascular phenotype. Last evaluated: 2020-11-30. Review status: criteria provided, single submitter. Criteria: Ambry Variant Classification Scheme 2023. Collection method: clinical testing. Allele origin: germline.
Comment: The p.A1181V variant (also known as c.3542C>T), located in coding exon 30 of the ANK2 gene, results from a C to T substitution at nucleotide position 3542. The alanine at codon 1181 is replaced by valine, an amino acid with similar properties. This amino acid position is highly conserved in available vertebrate species. In addition, the in silico prediction for this alteration is inconclusive. Since supporting evidence is limited at this time, the clinical significance of this alteration remains unclear.

NM_001148.6(ANK2):c.3542C>T (p.Ala1181Val)

Gene: ANK2 (ankyrin 2; plus strand). Cytogenetic location: 4q26.
Variant type: single nucleotide variant.
Coding change: c.3542C>T on transcript NM_001148.6 (MANE Select); coding-DNA position 3542, C replaced by T.
Protein change: p.Ala1181Val; replaces alanine 1181 with valine.
Molecular consequence: missense variant. On other transcripts: 5 prime UTR variant (2).
Genome position (GRCh38, 1-based): chr4:113,336,008, C>T. VCF-style: chr4-113336008-C-T. GRCh37 (hg19) VCF-style: chr4-114257164-C-T.
Other names: c.3515C>T, p.Ala1172Val (NM_001127493.3); c.3554C>T, p.Ala1185Val (NM_001354225.2); c.3443C>T, p.Ala1148Val (NM_001354228.2, NM_001354258.2); c.3521C>T, p.Ala1174Val (NM_001354230.2); c.3584C>T, p.Ala1195Val (NM_001354231.2, NM_001354242.2); c.3578C>T, p.Ala1193Val (NM_001354232.2); c.3539C>T, p.Ala1180Val (NM_001354235.2, NM_001354246.2, NM_001354265.2); c.3440C>T, p.Ala1147Val (NM_001354236.2); and 31 more; short protein forms A1053V, A1086V, A1110V, A1126V, A1159V, A1164V, A1180V, A364V.
Identifiers: ClinVar variation 1732487 (VCV001732487.2), dbSNP rs2153959078, ClinGen allele CA357937881.